The following is an entry in ClinVar:

NM_178012.5(TUBB2B):c.908G>A (p.Cys303Tyr)

Gene: TUBB2B (tubulin beta 2B class IIb; minus strand). Cytogenetic location: 6p25.2.
Variant type: single nucleotide variant.
Coding change: c.908G>A on transcript NM_178012.5 (MANE Select); coding-DNA position 908, G replaced by A.
Protein change: p.Cys303Tyr; replaces cysteine 303 with tyrosine.
Molecular consequence: missense variant.
Genome position (GRCh38, 1-based): chr6:3,225,181, C>T on the plus strand (G>A on the coding strand, the complement: TUBB2B is on the minus strand). VCF-style: chr6-3225181-C-T. GRCh37 (hg19) VCF-style: chr6-3225415-C-T.
Other names: NM_178012.5(TUBB2B):c.908G>A; p.Cys303Tyr; short protein forms C303Y.
Identifiers: ClinVar variation 1679255 (VCV001679255.4), dbSNP rs2113819019, ClinGen allele CA362586470.
Genomic context (GRCh38, chr6:3,225,181, plus strand): 5'-ATGGACATGCGGCCCCGGAAGATGGCAGCCACCGTCAGGTAGCGGCCGTGGCGCGGGTCG[C>T]AGGCGGCCATCATGTTCTTGGAGTCGAACATCTGCTGGGTGAGCTCGGGCACCGTGAGCG-3'
Protein context (NP_821080.1, residues 293-313): MFDSKNMMAA[Cys303Tyr]DPRHGRYLTV

ClinVar aggregate classification (germline): Likely pathogenic. Review status: criteria provided, multiple submitters, no conflicts (2 of 4 stars). 2 submissions from 2 submitters: Likely pathogenic (2). Last evaluated 2024-05-22.

Conditions:
Complex cortical dysplasia with other brain malformations 7. Identifiers: Orphanet 300573, MedGen C3552236, MONDO:0012399, OMIM 610031.

Submissions (2):

Broad Center for Mendelian Genomics, Broad Institute of MIT and Harvard
Classification: Likely pathogenic for Complex cortical dysplasia with other brain malformations 7. Last evaluated: 2024-05-22. Review status: criteria provided, single submitter. Criteria: ACMG Guidelines, 2015. Collection method: curation. Allele origin: germline. Inheritance: Autosomal dominant inheritance.
Comment: The heterozygous p.Cys303Tyr variant in TUBB2B was identified by our study in 2 siblings with cortical dysplasia, complex, with other brain malformations 7. Trio exome analysis showed this variant to be de novo in both siblings. The variant has not been previously reported in individuals with cortical dysplasia, complex, with other brain malformations 7 and was absent from large population studies. This variant has been reported in ClinVar (Variation ID: 1679255) and has been interpreted as likely pathogenic by Department of Clinical Genetics, Copenhagen University Hospital, Rigshospitalet. Computational prediction tools and conservation analyses suggest that this variant may impact the protein, though this information is not predictive enough to determine pathogenicity. The number of missense variants reported in TUBB2B in the general population is lower than expected, suggesting there is little benign variation in this gene and slightly increasing the possibility that a missense variant in this gene may not be tolerated. In summary, although additional studies are required to fully establish its clinical significance, this variant is likely pathogenic for autosomal dominant cortical dysplasia, complex, with other brain malformations 7. ACMG/AMP Criteria applied: PS2_Moderate, PM2_Supporting, PP3_Moderate, PP2 (Richards 2015).

Department of Clinical Genetics, Copenhagen University Hospital, Rigshospitalet
Classification: Likely pathogenic for Complex cortical dysplasia with other brain malformations 7. Last evaluated: 2021-08-01. Review status: criteria provided, single submitter. Criteria: ACMG Guidelines, 2015. Collection method: clinical testing. Allele origin: de novo. Affected: yes.